The following is an entry in ClinVar:

ClinVar aggregate classification (germline): Uncertain significance. Review status: criteria provided, single submitter (1 of 4 stars). 2 submissions from 2 submitters: Uncertain significance (1). 1 of the submissions does not count toward it. Last evaluated 2024-05-09.

Conditions:
COL6A3-related disorder. Also called: COL6A3-related disorders; COL6A3-related condition.
Bethlem myopathy 1A. Also called: MYOPATHY, BENIGN CONGENITAL, WITH CONTRACTURES; Bethlem Muscular Dystrophy; Bethlem myopathy 1. Identifiers: Orphanet 610, MedGen CN029274, MONDO:0024530, OMIM 158810.

gnomAD v4.1: 9 of 1,614,088 alleles (0.00056%); highest among the groups gnomAD compares: Middle Eastern, 0.016%; no homozygotes.

Submissions (2):

Labcorp Genetics (formerly Invitae), Labcorp
Classification: Uncertain significance for Bethlem myopathy 1A. Last evaluated: 2024-05-09. Review status: criteria provided, single submitter. Criteria: Invitae Variant Classification Sherloc (09022015). Collection method: clinical testing. Allele origin: germline.
Comment: This sequence change replaces arginine, which is basic and polar, with glycine, which is neutral and non-polar, at codon 740 of the COL6A3 protein (p.Arg740Gly). This variant is present in population databases (rs147182340, gnomAD 0.002%). This variant has not been reported in the literature in individuals affected with COL6A3-related conditions. Advanced modeling of protein sequence and biophysical properties (such as structural, functional, and spatial information, amino acid conservation, physicochemical variation, residue mobility, and thermodynamic stability) performed at Invitae indicates that this missense variant is not expected to disrupt COL6A3 protein function with a negative predictive value of 95%. In summary, the available evidence is currently insufficient to determine the role of this variant in disease. Therefore, it has been classified as a Variant of Uncertain Significance.

PreventionGenetics, part of Exact Sciences
Classification: Uncertain significance for COL6A3-related condition. Last evaluated: 2024-05-13. Review status: no assertion criteria provided. Collection method: clinical testing. Allele origin: germline. Not counted in ClinVar's aggregate classification.
Comment: The COL6A3 c.2218C>G variant is predicted to result in the amino acid substitution p.Arg740Gly. To our knowledge, this variant has not been reported in the literature. This variant is reported in 0.0015% of alleles in individuals of European (Non-Finnish) descent in gnomAD. At this time, the clinical significance of this variant is uncertain due to the absence of conclusive functional and genetic evidence.

NM_004369.4(COL6A3):c.2218C>G (p.Arg740Gly)

Gene: COL6A3 (collagen type VI alpha 3 chain; minus strand). Cytogenetic location: 2q37.3.
Variant type: single nucleotide variant.
Coding change: c.2218C>G on transcript NM_004369.4 (MANE Select); coding-DNA position 2218, C replaced by G.
Protein change: p.Arg740Gly; replaces arginine 740 with glycine.
Molecular consequence: missense variant. On other transcripts: intron variant (1).
Genome position (GRCh38, 1-based): chr2:237,378,915, G>C on the plus strand (C>G on the coding strand, the complement: COL6A3 is on the minus strand). VCF-style: chr2-237378915-G-C. GRCh37 (hg19) VCF-style: chr2-238287558-G-C.
Other names: c.997C>G, p.Arg333Gly (NM_057164.5); c.1600C>G, p.Arg534Gly (NM_057165.5, NM_057167.4); c.677-1571C>G (NM_057166.5); short protein forms R333G, R534G, R740G.
Identifiers: ClinVar variation 3354153 (VCV003354153.3).